The following is an entry in ClinVar:

NM_000059.4(BRCA2):c.10111A>G (p.Thr3371Ala)

Gene: BRCA2 (BRCA2 DNA repair associated; plus strand). Cytogenetic location: 13q13.1.
Variant type: single nucleotide variant.
Coding change: c.10111A>G on transcript NM_000059.4 (MANE Select); coding-DNA position 10111, A replaced by G.
Protein change: p.Thr3371Ala; replaces threonine 3371 with alanine.
Molecular consequence: missense variant.
Genome position (GRCh38, 1-based): chr13:32,398,624, A>G. VCF-style: chr13-32398624-A-G. GRCh37 (hg19) VCF-style: chr13-32972761-A-G.
Other names: p.T3371A:ACT>GCT; 10339A>G; short protein forms T3371A.
Identifiers: ClinVar variation 37720 (VCV000037720.40), dbSNP rs80358393, ClinGen allele CA010272.

ClinVar aggregate classification (germline): Benign/Likely benign. Review status: criteria provided, multiple submitters, no conflicts (2 of 4 stars). 17 submissions from 17 submitters: Benign (1); Likely benign (9). 7 of the submissions do not count toward it. Last evaluated 2026-01-31.

Conditions:
BRCA2-related disorder. Also called: BRCA2-related condition; BRCA2-related disorders. Identifiers: MedGen CN239275.
Glioma susceptibility 3 (GLM3). Also called: Glioblastoma 3. Identifiers: Orphanet 182067, Orphanet 360, MedGen C2751641, MONDO:0013093, OMIM 613029.
Prostate cancer. Also called: Malignant tumor of prostate. Identifiers: Orphanet 1331, MedGen C0376358, MONDO:0008315, HP:0012125.
Breast-ovarian cancer, familial, susceptibility to, 2 (BROVCA2). Also called: BRCA2 Hereditary Breast and Ovarian Cancer. Identifiers: Orphanet 145, MedGen C2675520, MONDO:0012933, OMIM 612555. Disease mechanism: loss of function.
Wilms tumor 1 (WT1). Also called: Wilms tumor, somatic. Identifiers: Orphanet 654, MedGen CN033288, MONDO:0008679, OMIM 194070.
Medulloblastoma (MDB). Also called: MEDULLOBLASTOMA PREDISPOSITION SYNDROME; Medulloblastoma, somatic. Identifiers: Orphanet 616, MedGen C0025149, MeSH D008527, MONDO:0007959, OMIM 155255, HP:0002885.
Fanconi anemia complementation group D1. Also called: BRCA2-Related Fanconi Anemia. Identifiers: Orphanet 319462, MedGen C1838457, MONDO:0011584, OMIM 605724.
Familial cancer of breast. Also called: Hereditary breast cancer; hereditary breast carcinoma; BREAST CANCER, FAMILIAL. Identifiers: Orphanet 227535, MedGen C0346153, MONDO:0016419, OMIM 114480. Disease mechanism: loss of function.
Pancreatic cancer, susceptibility to, 2. Identifiers: Orphanet 1333, MedGen C3150546, MONDO:0013235, OMIM 613347.
Hereditary cancer-predisposing syndrome. Also called: Hereditary neoplastic syndrome; Hereditary Cancer Syndrome; Tumor predisposition; Neoplastic Syndromes, Hereditary. Identifiers: Orphanet 140162, MedGen C0027672, MeSH D009386, MONDO:0015356.
Hereditary breast ovarian cancer syndrome. Also called: Breast and ovarian cancer; Hereditary breast and/or ovarian cancer syndrome; Hereditary breast and ovarian cancer; Hereditary breast and ovarian cancer syndrome; BRCA1- and BRCA2-Associated Hereditary Breast and Ovarian Cancer; Hereditary breast and ovarian cancer syndrome (HBOC). Identifiers: Orphanet 145, MedGen C0677776, MeSH D061325, MONDO:0003582. Disease mechanism: loss of function.
Malignant tumor of breast. Also called: Cancer breast; Malignant breast neoplasm. Identifiers: MedGen C0006142, MONDO:0007254. Disease mechanism: loss of function.

Allele frequency attached by ClinVar (database versions not stated): gnomAD 0.00001; TOPMed 0.00003; gnomAD exomes below 0.00001.
gnomAD v4.1: 17 of 1,614,084 alleles (0.0011%); highest among the groups gnomAD compares: East Asian, 0.02%; no homozygotes.

Submissions (17):

Labcorp Genetics (formerly Invitae), Labcorp
Classification: Likely benign for Hereditary breast ovarian cancer syndrome. Last evaluated: 2026-01-31. Review status: criteria provided, single submitter. Criteria: Invitae Variant Classification Sherloc (09022015). Collection method: clinical testing. Allele origin: germline.

Women's Health and Genetics/Laboratory Corporation of America, LabCorp
Classification: Likely benign. Last evaluated: 2025-10-29. Review status: criteria provided, single submitter. Criteria: LabCorp Variant Classification Summary - May 2015. Collection method: clinical testing. Allele origin: germline.
Comment: Variant summary: BRCA2 c.10111A>G (p.Thr3371Ala) results in a non-conservative amino acid change in the encoded protein sequence. Algorithms developed to predict the effect of missense changes on protein structure and function are either unavailable or do not agree on the potential impact of this missense change. The variant allele was found at a frequency of 4e-06 in 251284 control chromosomes. The available data on variant occurrences in the general population are insufficient to allow any conclusion about variant significance. c.10111A>G has been observed in individuals affected with or undergoing testing for breast and/or other types of cancer (example, Borg_2010, Capanu_2011, Schenkel_2016, Wong-Brown_2015, Xiu_2016, Zhang_2015). These reports do not provide unequivocal conclusions about association of the variant with Hereditary Breast And Ovarian Cancer Syndrome. Co-occurrences with other pathogenic variants have been reported (BRCA1 c.4612C>T, p.Gln1538X ; BRCA1 c.3778_3779insA, p.Leu1260fs ; BRCA1 c.5335delC, p.Gln1779fsX14), providing supporting evidence for a benign role. To our knowledge, no experimental evidence demonstrating an impact on protein function has been reported. The following publications have been ascertained in the context of this evaluation (PMID: 20104584, 21520273, 33471991, 24817641, 22703879, 27376475, 25682074, 26933808, 26580448). ClinVar contains an entry for this variant (Variation ID: 37720). Based on the evidence outlined above, the variant was classified as likely benign.

Blueprint Genetics
Classification: Likely benign. Last evaluated: 2023-06-12. Review status: criteria provided, single submitter. Criteria: ACMG Guidelines, 2015. Collection method: clinical testing. Allele origin: germline.

Fulgent Genetics
Classification: Likely benign for Familial cancer of breast; Medulloblastoma; Familial prostate cancer; Wilms tumor 1; Fanconi anemia complementation group D1; Breast-ovarian cancer, familial, susceptibility to, 2; Glioma susceptibility 3; Pancreatic cancer, susceptibility to, 2. Last evaluated: 2021-12-11. Review status: criteria provided, single submitter. Criteria: ACMG Guidelines, 2015. Collection method: clinical testing. Allele origin: unknown.

Sema4
Classification: Likely benign for Hereditary cancer-predisposing syndrome. Last evaluated: 2021-09-15. Review status: criteria provided, single submitter. Criteria: Sema4 Curation Guidelines. Collection method: curation. Allele origin: germline.

Quest Diagnostics Nichols Institute San Juan Capistrano
Classification: Likely benign. Last evaluated: 2020-10-10. Review status: criteria provided, single submitter. Criteria: Quest Diagnostics criteria. Collection method: clinical testing. Allele origin: unknown.

GeneDx
Classification: Likely benign. Last evaluated: 2020-08-13. Review status: criteria provided, single submitter. Criteria: GeneDx Variant Classification Process June 2021. Collection method: clinical testing. Allele origin: germline. Affected: yes.
Comment: This variant is associated with the following publications: (PMID: 22703879, 27376475, 25682074, 20104584, 26580448, 26933808)

Ambry Genetics
Classification: Likely benign for Hereditary cancer-predisposing syndrome. Last evaluated: 2018-08-23. Review status: criteria provided, single submitter. Criteria: Ambry Variant Classification Scheme 2023. Collection method: clinical testing. Allele origin: germline.

ARUP Laboratories, Molecular Genetics and Genomics, ARUP Laboratories
Classification: Likely benign. Last evaluated: 2018-04-24. Review status: criteria provided, single submitter. Criteria: ARUP Molecular Germline Variant Investigation Process. Collection method: clinical testing. Allele origin: germline.
Comment: The BRCA2 c.10111A>G; p.Thr3371Ala variant (rs80358393) has been described in individuals affected with breast cancer who also harbor a known pathogenic BRCA1 variant (see link to BIC database). This variant has also been observed in individuals with no personal or family history of cancer (Johnston 2012). It is reported in ClinVar (Variation ID: 37720) and observed in the general population at an overall frequency of 0.0007% (2/277018 alleles) in the Genome Aggregation Database. The threonine at codon 3371 is moderately conserved but computational algorithms (PolyPhen-2, SIFT) predict this variant to be tolerated. Based on available information, this variant is considered likely benign. References: BIC database: Johnston J et al. Secondary variants in individuals undergoing exome sequencing: screening of 572 individuals identifies high-penetrance mutations in cancer-susceptibility genes. Am J Hum Genet. 2012 Jul 13;91(1):97-108.

Color Diagnostics, LLC DBA Color Health
Classification: Benign for Hereditary cancer-predisposing syndrome. Last evaluated: 2017-02-10. Review status: criteria provided, single submitter. Criteria: ACMG Guidelines, 2015. Collection method: clinical testing. Allele origin: germline.

Genetic Services Laboratory, University of Chicago
Classification: Likely benign. Last evaluated: 2022-04-28. Review status: no assertion criteria provided. Collection method: clinical testing. Allele origin: germline. Affected: no. Not counted in ClinVar's aggregate classification.

PreventionGenetics, part of Exact Sciences
Classification: Likely benign for BRCA2-related condition. Last evaluated: 2020-02-24. Review status: no assertion criteria provided. Collection method: clinical testing. Allele origin: germline. Not counted in ClinVar's aggregate classification.
Comment: This variant is classified as likely benign based on ACMG/AMP sequence variant interpretation guidelines (Richards et al. 2015 PMID: 25741868, with internal and published modifications).

Counsyl
Classification: Likely benign for Breast-ovarian cancer, familial 2. Last evaluated: 2015-02-05. Review status: no assertion criteria provided. Collection method: literature only. Allele origin: unknown. Inheritance: Autosomal dominant inheritance. Not counted in ClinVar's aggregate classification.

Biesecker Lab/Clinical Genomics Section, National Institutes of Health
Classification: Uncertain significance. Last evaluated: 2012-07-13. Review status: no assertion criteria provided. Collection method: research. Allele origin: germline. Affected: no. Observed: 1 variant allele. Study: ClinSeq. Not counted in ClinVar's aggregate classification.
ClinVar note: Converted during submission from variant of unknown significance to Uncertain significance.

Sharing Clinical Reports Project (SCRP)
Classification: Benign for Breast-ovarian cancer, familial 2. Last evaluated: 2012-02-01. Review status: no assertion criteria provided. Collection method: clinical testing. Allele origin: germline. Not counted in ClinVar's aggregate classification.

Breast Cancer Information Core (BIC) (BRCA2)
Classification: Uncertain significance for Breast-ovarian cancer, familial 2. Last evaluated: 2000-06-12. Review status: no assertion criteria provided. Collection method: clinical testing. Allele origin: germline. Affected: yes. Observed: 3 variant alleles. Not counted in ClinVar's aggregate classification.

Department of Pathology and Laboratory Medicine, Sinai Health System
Classification: Uncertain significance for Malignant tumor of breast. Review status: no assertion criteria provided. Collection method: clinical testing. Allele origin: unknown. Affected: yes. Observed: 2 variant alleles. Study: The Canadian Open Genetics Repository (COGR). Not counted in ClinVar's aggregate classification.
Comment: The BRCA2 p.Thr3371Ala variant was identified in 3 of 4206 proband chromosomes (frequency: 0.001) from individuals or families with contralateral and unilateral breast cancer (Borg 2010). The p.Thr3371Ala variant was identified in the dbSNP with â€šÃ„ÃºOtherâ€šÃ„Ã¹ allele. This variant was identified in ClinVar database as likely benign by Ambry Genetics, GeneDX and Counsyl; as benign by Sharing Clinical Reports Project derived by Myriad Reports; as uncertain significance by Invitae, BIC and Biesecker laboratory ClinSeq Project NHGRI. The p.Thr3371Ala variant was identified in BIC 3x with unknown clinical importance; in BRCA Share UMD 1x and classified as unknown. The variant was not identified in NHLBI Exome Sequencing Project (Exome Variant Server), Exome Aggregation Consortium (released March 14, 2016), GeneInsight COGR, Clinvitae, COSMIC, MutDB, LOVD Fanconiâ€šÃ„Ã´s Anemia Mutation and ARUP Laboratories Databases. Computational analyses (PolyPhen-2, SIFT, AlignGVGD, BLOSUM, MutationTaster) do not suggest a high likelihood of impact to the protein. The p.Thr3371 residue is conserved in mammals and not in lower organism and the variant amino acid Alanine is present in chicken, increasing the likelihood that this variant does not have clinical significance. In summary, based on the above information, the clinical significance of this variant cannot be determined with certainty at this time. This variant is classified as a variant of uncertain significance.

Literature cited by the submitters: PubMed 20104584 (cited by 5 submitters); PubMed 21520273 (cited by Women's Health and Genetics/Laboratory Corporation of America, LabCorp and Quest Diagnostics Nichols Institute San Juan Capistrano); PubMed 24817641 (cited by Women's Health and Genetics/Laboratory Corporation of America, LabCorp and Quest Diagnostics Nichols Institute San Juan Capistrano); PubMed 25682074 (cited by 3 submitters); PubMed 27376475 (cited by Women's Health and Genetics/Laboratory Corporation of America, LabCorp and Quest Diagnostics Nichols Institute San Juan Capistrano); PubMed 26933808 (cited by Women's Health and Genetics/Laboratory Corporation of America, LabCorp); PubMed 26580448 (cited by Women's Health and Genetics/Laboratory Corporation of America, LabCorp); PubMed 33471991 (cited by Women's Health and Genetics/Laboratory Corporation of America, LabCorp and Sema4).